The following is an entry in ClinVar:

NM_001042492.3(NF1):c.907_908del (p.Leu303fs)

Gene: NF1 (neurofibromin 1; plus strand). Cytogenetic location: 17q11.2.
Variant type: Deletion.
Coding change: c.907_908del on transcript NM_001042492.3 (MANE Select); coding-DNA positions 907 to 908, 2 bases deleted (CT; older notation c.907_908delCT).
Protein change: p.Leu303fs; shifts the reading frame from leucine 303.
Molecular consequence: frameshift variant.
Genome position (GRCh38, 1-based): chr17:31,200,440-31,200,441, CT deleted; deleting any 2 consecutive bases within chr17:31,200,439-31,200,441 gives the same sequence; the c. name uses the placement nearest the transcript's 3' end. VCF-style (leftmost placement, unchanged base first): chr17-31200438-GTC-G. GRCh37 (hg19) VCF-style: chr17-29527456-GTC-G.
Other names: c.907_908delCT (NM_000267.3); c.907_908delCT, p.Leu303Thrfs (NM_000267.4); c.907_908del, p.Leu303fs (NM_001128147.3); short protein forms L303fs.
Identifiers: ClinVar variation 2137953 (VCV002137953.8), dbSNP rs2544793327, ClinGen allele CA2580092784.

ClinVar aggregate classification (germline): Pathogenic. Review status: criteria provided, multiple submitters, no conflicts (2 of 4 stars). 4 submissions from 4 submitters: Pathogenic (4). Last evaluated 2026-04-29.

Conditions:
Neurofibromatosis, type 1 (NF1). Also called: Neurofibromatosis, type I; VON RECKLINGHAUSEN DISEASE; Peripheral type neurofibromatosis; NEUROFIBROMATOSIS, TYPE I, SOMATIC. Identifiers: Orphanet 636, MedGen C0027831, MONDO:0018975, OMIM 162200. Disease mechanism: loss of function.
Hereditary cancer-predisposing syndrome. Also called: Hereditary Cancer Syndrome; Neoplastic Syndromes, Hereditary; Tumor predisposition; Hereditary neoplastic syndrome. Identifiers: Orphanet 140162, MedGen C0027672, MeSH D009386, MONDO:0015356.
Cardiovascular phenotype. Identifiers: MedGen CN230736.

Submissions (4):

Clinical Genetics Laboratory, Skane University Hospital Lund
Classification: Pathogenic for Neurofibromatosis, type 1. Last evaluated: 2026-04-29. Review status: criteria provided, single submitter. Criteria: ACMG Guidelines, 2015. Collection method: clinical testing. Allele origin: germline. Affected: yes.
Comment: PVS1, PS4_supporting and PM2.

GeneDx
Classification: Pathogenic. Last evaluated: 2023-05-04. Review status: criteria provided, single submitter. Criteria: GeneDx Variant Classification Process June 2021. Collection method: clinical testing. Allele origin: germline. Affected: yes.
Comment: Frameshift variant predicted to result in protein truncation or nonsense mediated decay in a gene for which loss of function is a known mechanism of disease; Not observed at significant frequency in large population cohorts (gnomAD); This variant is associated with the following publications: (PMID: 25074460)

Ambry Genetics
Classification: Pathogenic for Cardiovascular phenotype; Hereditary cancer-predisposing syndrome. Last evaluated: 2023-01-11. Review status: criteria provided, single submitter. Criteria: Ambry Variant Classification Scheme 2023. Collection method: clinical testing. Allele origin: germline.
Comment: The c.907_908delCT pathogenic mutation, located in coding exon 9 of the NF1 gene, results from a deletion of two nucleotides at nucleotide positions 907 to 908, causing a translational frameshift with a predicted alternate stop codon (p.L303Tfs*11). This alteration was identified in a cohort of French patients with a clinical diagnosis of neurofibromatosis type 1 (Pasmant E et al. Eur J Hum Genet. 2015 May;23:596-601). This variant is considered to be rare based on population cohorts in the Genome Aggregation Database (gnomAD). In addition to the clinical data presented in the literature, this alteration is expected to result in loss of function by premature protein truncation or nonsense-mediated mRNA decay. As such, this alteration is interpreted as a disease-causing mutation.

Labcorp Genetics (formerly Invitae), Labcorp
Classification: Pathogenic for Neurofibromatosis, type 1. Last evaluated: 2022-10-25. Review status: criteria provided, single submitter. Criteria: Invitae Variant Classification Sherloc (09022015). Collection method: clinical testing. Allele origin: germline.
Comment: This sequence change creates a premature translational stop signal (p.Leu303Thrfs*11) in the NF1 gene. It is expected to result in an absent or disrupted protein product. Loss-of-function variants in NF1 are known to be pathogenic (PMID: 10712197, 23913538). For these reasons, this variant has been classified as Pathogenic. This premature translational stop signal has been observed in individual(s) with neurofibromatosis type I (PMID: 25074460). This variant is not present in population databases (gnomAD no frequency).

Literature cited by the submitters: PubMed 10712197 (cited by Labcorp Genetics (formerly Invitae), Labcorp); PubMed 23913538 (cited by Labcorp Genetics (formerly Invitae), Labcorp); PubMed 25074460 (cited by Labcorp Genetics (formerly Invitae), Labcorp).